The following is an entry in ClinVar:

NM_000368.5(TSC1):c.838C>A (p.Gln280Lys)

Gene: TSC1 (TSC complex subunit 1; minus strand). Cytogenetic location: 9q34.13.
Variant type: single nucleotide variant.
Coding change: c.838C>A on transcript NM_000368.5 (MANE Select); coding-DNA position 838, C replaced by A.
Protein change: p.Gln280Lys; replaces glutamine 280 with lysine.
Molecular consequence: missense variant. On other transcripts: 5 prime UTR variant (5), non-coding transcript variant (5).
Genome position (GRCh38, 1-based): chr9:132,912,357, G>T on the plus strand (C>A on the coding strand, the complement: TSC1 is on the minus strand). VCF-style: chr9-132912357-G-T. GRCh37 (hg19) VCF-style: chr9-135787744-G-T.
Other names: c.838C>A, p.Gln280Lys (NM_001162426.2, NM_001406592.1, NM_001406593.1 and 16 more transcripts); c.685C>A, p.Gln229Lys (NM_001162427.2, NM_001406610.1, NM_001406611.1 and 2 more transcripts); c.475C>A, p.Gln159Lys (NM_001362177.2, NM_001406614.1, NM_001406615.1 and 10 more transcripts); c.-114C>A (NM_001406626.1, NM_001406627.1, NM_001406628.1); c.-256C>A (NM_001406629.1, NM_001406630.1); short protein forms Q280K, Q159K, Q229K.
Identifiers: ClinVar variation 3811260 (VCV003811260.1).

ClinVar aggregate classification (germline): Uncertain significance (1 of 4 stars; one submission).

Conditions:
Hereditary cancer-predisposing syndrome. Also called: Neoplastic Syndromes, Hereditary; Hereditary Cancer Syndrome; Tumor predisposition; Hereditary neoplastic syndrome. Identifiers: Orphanet 140162, MedGen C0027672, MeSH D009386, MONDO:0015356.

Submission:

Ambry Genetics
Classification: Uncertain significance for Hereditary cancer-predisposing syndrome. Last evaluated: 2025-02-24. Review status: criteria provided, single submitter. Criteria: Ambry Variant Classification Scheme 2023. Collection method: clinical testing. Allele origin: germline.
Comment: The p.Q280K variant (also known as c.838C>A), located in coding exon 7 of the TSC1 gene, results from a C to A substitution at nucleotide position 838. The glutamine at codon 280 is replaced by lysine, an amino acid with similar properties. This amino acid position is conserved. In addition, this alteration is predicted to be tolerated by in silico analysis. Based on the available evidence, the clinical significance of this variant remains unclear.